The following is an entry in ClinVar:

NM_006231.4(POLE):c.3503A>G (p.His1168Arg)

Gene: POLE (DNA polymerase epsilon, catalytic subunit; minus strand). Cytogenetic location: 12q24.33.
Variant type: single nucleotide variant.
Coding change: c.3503A>G on transcript NM_006231.4 (MANE Select); coding-DNA position 3503, A replaced by G.
Protein change: p.His1168Arg; replaces histidine 1168 with arginine.
Molecular consequence: missense variant.
Genome position (GRCh38, 1-based): chr12:132,657,215, T>C on the plus strand (A>G on the coding strand, the complement: POLE is on the minus strand). VCF-style: chr12-132657215-T-C. GRCh37 (hg19) VCF-style: chr12-133233801-T-C.
Other names: short protein forms H1168R.
Identifiers: ClinVar variation 2759106 (VCV002759106.3), dbSNP rs2541999373, ClinGen allele CA387388625.

ClinVar aggregate classification (germline): Uncertain significance (1 of 4 stars; one submission).

Submission:

Labcorp Genetics (formerly Invitae), Labcorp
Classification: Uncertain significance. Last evaluated: 2023-09-08. Review status: criteria provided, single submitter. Criteria: Invitae Variant Classification Sherloc (09022015). Collection method: clinical testing. Allele origin: germline.
Comment: This variant is not present in population databases (gnomAD no frequency). This sequence change replaces histidine, which is basic and polar, with arginine, which is basic and polar, at codon 1168 of the POLE protein (p.His1168Arg). This variant has not been reported in the literature in individuals affected with POLE-related conditions. Advanced modeling of protein sequence and biophysical properties (such as structural, functional, and spatial information, amino acid conservation, physicochemical variation, residue mobility, and thermodynamic stability) performed at Invitae indicates that this missense variant is not expected to disrupt POLE protein function. In summary, the available evidence is currently insufficient to determine the role of this variant in disease. Therefore, it has been classified as a Variant of Uncertain Significance.